The following is an entry in ClinVar:

ClinVar aggregate classification (germline): Benign/Likely benign. Review status: criteria provided, multiple submitters, no conflicts (2 of 4 stars). 10 submissions from 10 submitters: Benign (2); Likely benign (8). Last evaluated 2026-09-10.

Conditions:
Hereditary cancer-predisposing syndrome. Also called: Neoplastic Syndromes, Hereditary; Hereditary neoplastic syndrome; Tumor predisposition; Hereditary Cancer Syndrome. Identifiers: Orphanet 140162, MedGen C0027672, MeSH D009386, MONDO:0015356.
POLD1-related polyposis and colorectal cancer syndrome (CRCS10). Also called: Colorectal cancer 10; Colorectal cancer, susceptibility to, 10; COLORECTAL CANCER, SUSCEPTIBILITY TO, ON CHROMOSOME 19q. Identifiers: Orphanet 220460, MedGen C2675481, MONDO:0012953, OMIM 612591.
POLD1-related disorder. Also called: POLD1-related disorders; POLD1-related condition.

Allele frequency attached by ClinVar (database versions not stated): ExAC 0.00005; TOPMed 0.00005; gnomAD exomes 0.00006 and 0.00015; gnomAD 0.00009; 1000 Genomes Project 30x 0.00016; 1000 Genomes Project 0.00020.
gnomAD v4.1: 230 of 1,613,858 alleles (0.014%); highest among the groups gnomAD compares: Non-Finnish European, 0.019%; no homozygotes.

Submissions (10):

PreventionGenetics, part of Exact Sciences
Classification: Likely benign for POLD1-related condition. Last evaluated: 2026-09-10. Review status: criteria provided, single submitter. Criteria: ACMG Guidelines, 2015. Collection method: clinical testing. Allele origin: germline.
Comment: This variant is classified as likely benign based on ACMG/AMP sequence variant interpretation guidelines (Richards et al. 2015 PMID: 25741868, with internal and published modifications).

Labcorp Genetics (formerly Invitae), Labcorp
Classification: Likely benign for POLD1-related polyposis and colorectal cancer syndrome. Last evaluated: 2026-02-03. Review status: criteria provided, single submitter. Criteria: Invitae Variant Classification Sherloc (09022015). Collection method: clinical testing. Allele origin: germline.

Center for Genomic Medicine, Rigshospitalet, Copenhagen University Hospital
Classification: Likely benign. Last evaluated: 2025-12-29. Review status: criteria provided, single submitter. Criteria: ACMG Guidelines, 2015. Collection method: clinical testing. Allele origin: germline.

CeGaT Center for Human Genetics Tuebingen
Classification: Likely benign. Last evaluated: 2025-06-01. Review status: criteria provided, single submitter. Criteria: CeGaT Center For Human Genetics Tuebingen Variant Classification Criteria Version 2. Collection method: clinical testing. Allele origin: germline. Affected: yes. Observed: 2 variant alleles.
Comment: POLD1: BP4, BP7

Myriad Genetics, Inc.
Classification: Benign for POLD1-related polyposis and colorectal cancer syndrome. Last evaluated: 2025-02-07. Review status: criteria provided, single submitter. Criteria: Myriad Autosomal Dominant, Autosomal Recessive and X-Linked Classification Criteria (2023). Collection method: clinical testing. Allele origin: unknown.
Comment: This variant is considered benign. This variant is a silent/synonymous amino acid change and it is not expected to impact splicing.

Sema4
Classification: Likely benign for Hereditary cancer-predisposing syndrome. Last evaluated: 2021-06-17. Review status: criteria provided, single submitter. Criteria: Sema4 Curation Guidelines. Collection method: curation. Allele origin: germline.

GeneDx
Classification: Likely benign. Last evaluated: 2021-01-22. Review status: criteria provided, single submitter. Criteria: GeneDx Variant Classification Process June 2021. Collection method: clinical testing. Allele origin: germline. Affected: yes.

Mendelics
Classification: Likely benign for POLD1-related polyposis and colorectal cancer syndrome. Last evaluated: 2019-05-28. Review status: criteria provided, single submitter. Criteria: Mendelics Assertion Criteria 2017. Collection method: clinical testing. Allele origin: unknown.

Women's Health and Genetics/Laboratory Corporation of America, LabCorp
Classification: Benign. Last evaluated: 2019-01-18. Review status: criteria provided, single submitter. Criteria: LabCorp Variant Classification Summary - May 2015. Collection method: clinical testing. Allele origin: germline.
Comment: Variant summary: POLD1 c.1596C>T results in a synonymous change. 5/5 computational tools predict no significant impact on normal splicing. However, these predictions have yet to be confirmed by functional studies. The variant allele was found at a frequency of 6.9e-05 in 276638 control chromosomes (gnomAD). The observed variant frequency is approximately 5-folds higher than the estimated maximal expected allele frequency for a pathogenic variant in POLD1 causing Colorectal Cancer phenotype (1.4e-05), strongly suggesting that the variant is benign. To our knowledge, no occurrence of c.1596C>T in individuals affected with Colorectal Cancer and no experimental evidence demonstrating its impact on protein function have been reported. Three ClinVar submissions from clinical diagnostic laboratories (evaluation after 2014) cites the variant as likely benign. Based on the evidence outlined above, the variant was classified as benign.

Ambry Genetics
Classification: Likely benign for Hereditary cancer-predisposing syndrome. Last evaluated: 2015-07-02. Review status: criteria provided, single submitter. Criteria: Ambry Variant Classification Scheme 2023. Collection method: clinical testing. Allele origin: germline.

NM_002691.4(POLD1):c.1596C>T (p.Ala532=)

Gene: POLD1 (DNA polymerase delta 1, catalytic subunit; plus strand). Cytogenetic location: 19q13.33.
Variant type: single nucleotide variant.
Coding change: c.1596C>T on transcript NM_002691.4 (MANE Select); coding-DNA position 1596, C replaced by T.
Protein change: p.Ala532=; no amino-acid change (alanine 532 retained).
Molecular consequence: synonymous variant. On other transcripts: non-coding transcript variant (1).
Genome position (GRCh38, 1-based): chr19:50,407,084, C>T. VCF-style: chr19-50407084-C-T. GRCh37 (hg19) VCF-style: chr19-50910341-C-T.
Other names: c.1596C>T, p.Ala532= (NM_001256849.1, NM_001308632.1).
Identifiers: ClinVar variation 382177 (VCV000382177.58), dbSNP rs550441767, ClinGen allele CA9596185.